The following is an entry in ClinVar:

NM_003737.4(DCHS1):c.5565T>G (p.Phe1855Leu)

Gene: DCHS1 (dachsous cadherin-related 1; minus strand). Cytogenetic location: 11p15.4.
Variant type: single nucleotide variant.
Coding change: c.5565T>G on transcript NM_003737.4 (MANE Select); coding-DNA position 5565, T replaced by G.
Protein change: p.Phe1855Leu; replaces phenylalanine 1855 with leucine.
Molecular consequence: missense variant.
Genome position (GRCh38, 1-based): chr11:6,627,474, A>C on the plus strand (T>G on the coding strand, the complement: DCHS1 is on the minus strand). VCF-style: chr11-6627474-A-C. GRCh37 (hg19) VCF-style: chr11-6648705-A-C.
Other names: short protein forms F1855L.
Identifiers: ClinVar variation 3643786 (VCV003643786.2).
Genomic context (GRCh38, chr11:6,627,474, plus strand): 5'-CAGCAGCAGGGTCCCTGCAGGCACATCCTCCGGCACCTCCACCGAGTAGGCAGGCACAGG[A>C]AAGGCTGGAGCATGGTCATTGGCATCCAGCACTGTCACTGTCAAAAGCAGCGTGGCACTG-3'
Protein context (NP_003728.1, residues 1845-1865): VLDANDHAPA[Phe1855Leu]PVPAYSVEVP

ClinVar aggregate classification (germline): Uncertain significance (1 of 4 stars; one submission).

gnomAD v4.1: 1 of 1,611,450 alleles (0.000062%); highest among the groups gnomAD compares: African/African-American, 0.0013%; no homozygotes.

Submission:

Labcorp Genetics (formerly Invitae), Labcorp
Classification: Uncertain significance. Last evaluated: 2024-05-13. Review status: criteria provided, single submitter. Criteria: Invitae Variant Classification Sherloc (09022015). Collection method: clinical testing. Allele origin: germline.
Comment: This sequence change replaces phenylalanine, which is neutral and non-polar, with leucine, which is neutral and non-polar, at codon 1855 of the DCHS1 protein (p.Phe1855Leu). This variant is present in population databases (rs751165592, gnomAD 0.007%). This variant has not been reported in the literature in individuals affected with DCHS1-related conditions. Advanced modeling of protein sequence and biophysical properties (such as structural, functional, and spatial information, amino acid conservation, physicochemical variation, residue mobility, and thermodynamic stability) has been performed at Invitae for this missense variant, however the output from this modeling did not meet the statistical confidence thresholds required to predict the impact of this variant on DCHS1 protein function. In summary, the available evidence is currently insufficient to determine the role of this variant in disease. Therefore, it has been classified as a Variant of Uncertain Significance.